The following is an entry in ClinVar:

ClinVar aggregate classification (germline): Likely benign. Review status: criteria provided, multiple submitters, no conflicts (2 of 4 stars). 2 submissions from 2 submitters: Likely benign (2). Last evaluated 2025-09-29.

Conditions:
Catecholaminergic polymorphic ventricular tachycardia 1. Also called: VENTRICULAR TACHYCARDIA, CATECHOLAMINERGIC POLYMORPHIC, 1, WITH OR WITHOUT ATRIAL DYSFUNCTION AND/OR DILATED CARDIOMYOPATHY; RYR2-Related Catecholaminergic Polymorphic Ventricular Tachycardia; VENTRICULAR TACHYCARDIA, STRESS-INDUCED POLYMORPHIC 1. Identifiers: Orphanet 3286, MedGen C1631597, MONDO:0011484, OMIM 604772.

Allele frequency attached by ClinVar (database versions not stated): gnomAD exomes below 0.00001.
gnomAD v4.1: 4 of 1,560,544 alleles (0.00026%); highest among the groups gnomAD compares: Non-Finnish European, 0.00026%; no homozygotes.

Submissions (2):

Mayo Clinic Laboratories, Mayo Clinic
Classification: Likely benign. Last evaluated: 2025-09-29. Review status: criteria provided, single submitter. Criteria: ACMG Guidelines, 2015. Collection method: clinical testing. Allele origin: germline. Observed: 1 variant allele.
Comment: BP4, BP7, PM2_supporting

Labcorp Genetics (formerly Invitae), Labcorp
Classification: Likely benign for Catecholaminergic polymorphic ventricular tachycardia 1. Last evaluated: 2023-12-14. Review status: criteria provided, single submitter. Criteria: Invitae Variant Classification Sherloc (09022015). Collection method: clinical testing. Allele origin: germline.

NM_006073.4(TRDN):c.963G>A (p.Lys321=)

Gene: TRDN (triadin; minus strand). Cytogenetic location: 6q22.31.
Variant type: single nucleotide variant.
Coding change: c.963G>A on transcript NM_006073.4 (MANE Select); coding-DNA position 963, G replaced by A.
Protein change: p.Lys321=; no amino-acid change (lysine 321 retained).
Molecular consequence: synonymous variant.
Genome position (GRCh38, 1-based): chr6:123,438,972, C>T on the plus strand (G>A on the coding strand, the complement: TRDN is on the minus strand). VCF-style: chr6-123438972-C-T. GRCh37 (hg19) VCF-style: chr6-123760117-C-T.
Other names: p.Lys321=; c.963G>A, p.Lys321= (NM_001251987.2); c.903G>A, p.Lys301= (NM_001407315.1).
Identifiers: ClinVar variation 2155506 (VCV002155506.5), dbSNP rs2534023819, ClinGen allele CA452056655.